The following is an entry in ClinVar:

NM_004387.4(NKX2-5):c.217C>T (p.Leu73=)

Gene: NKX2-5 (NK2 homeobox 5; minus strand). Cytogenetic location: 5q35.1.
Variant type: single nucleotide variant.
Coding change: c.217C>T on transcript NM_004387.4 (MANE Select); coding-DNA position 217, C replaced by T.
Protein change: p.Leu73=; no amino-acid change (leucine 73 retained).
Molecular consequence: synonymous variant.
Genome position (GRCh38, 1-based): chr5:173,234,867, G>A on the plus strand (C>T on the coding strand, the complement: NKX2-5 is on the minus strand). VCF-style: chr5-173234867-G-A. GRCh37 (hg19) VCF-style: chr5-172661870-G-A.
Other names: c.217C>T, p.Leu73= (NM_001166175.2, NM_001166176.2).
Identifiers: ClinVar variation 511620 (VCV000511620.1), dbSNP rs1554093696, ClinGen allele CA447975111.

ClinVar aggregate classification (germline): Likely benign (1 of 4 stars; one submission).

Submission:

GeneDx
Classification: Likely benign. Last evaluated: 2017-08-22. Review status: criteria provided, single submitter. Criteria: GeneDx Variant Classification (06012015). Collection method: clinical testing. Allele origin: germline. Affected: yes.
Comment: This variant is considered likely benign or benign based on one or more of the following criteria: it is a conservative change, it occurs at a poorly conserved position in the protein, it is predicted to be benign by multiple in silico algorithms, and/or has population frequency not consistent with disease.